The following is an entry in ClinVar:

NM_001371928.1(AHDC1):c.2713del (p.Ala905fs)

Gene: AHDC1 (AT-hook DNA binding motif containing 1; minus strand). Cytogenetic location: 1p36.11.
Variant type: Deletion.
Coding change: c.2713del on transcript NM_001371928.1 (MANE Select); coding-DNA position 2713, one base deleted (G; older notation c.2713delG).
Protein change: p.Ala905fs; shifts the reading frame from alanine 905.
Molecular consequence: frameshift variant.
Genome position (GRCh38, 1-based): chr1:27,549,403, C deleted on the plus strand (G on the coding strand, the reverse complement: AHDC1 is on the minus strand); the first of 4 consecutive C bases (chr1:27,549,403-27,549,406); deleting any one gives the same sequence. VCF-style (leftmost placement, unchanged base first): chr1-27549402-GC-G. GRCh37 (hg19) VCF-style: chr1-27875913-GC-G.
Other names: p.Ala905LeufsTer27; c.2713del, p.Ala905fs (NM_001029882.3); short protein forms A905fs.
Identifiers: ClinVar variation 4073612 (VCV004073612.1).

ClinVar aggregate classification (germline): Pathogenic (1 of 4 stars; one submission).

Conditions:
AHDC1-related intellectual disability - obstructive sleep apnea - mild dysmorphism syndrome. Also called: Xia-Gibbs syndrome. Identifiers: Orphanet 412069, MedGen C4014419, MONDO:0014358, OMIM 615829.

Submission:

Molecular Genetics and NGS Laboratory, Hospital Fundacion Valle Del Lili
Classification: Pathogenic for AHDC1-related intellectual disability - obstructive sleep apnea - mild dysmorphism syndrome. Last evaluated: 2025-07-06. Review status: criteria provided, single submitter. Criteria: ACMG Guidelines, 2015. Collection method: clinical testing. Allele origin: unknown. Inheritance: Autosomal dominant inheritance. Affected: yes. Observed: 1 heterozygote.
Comment: Whole-exome sequencing was performed. The analysis identified a novel heterozygous variant in the AHDC1 gene: NM_001371928.1:c.2713del; p.(Ala905LeufsTer27), located in exon 8. This is a frameshift variant predicted to result in a premature stop codon, likely leading to nonsense-mediated mRNA decay or a truncated non-functional protein product. The variant was classified as pathogenic based on the following criteria from the American College of Medical Genetics and Genomics (ACMG): PVS1 (Pathogenic Very Strong): The variant is a loss-of-function mutation (frameshift) in a gene in which loss of function is a known mechanism of disease. Null variant (frame-shift) in gene AHDC1, predicted to cause NMD. Loss-of-function is a known mechanism of disease (gene has 169 reported pathogenic LOF variants). The exon contains 177 pathogenic variants. The truncated region contains 65 pathogenic variants. PM2 (Pathogenic Moderate): The variant is absent or extremely rare in large population databases, supporting its potential pathogenicity. Variant not found in gnomAD genomes, good gnomAD genomes coverage = 30.7. Variant not found in gnomAD exomes, good gnomAD exomes coverage = 68.8. PM6 (Pathogenic Moderate): The variant is presumed de novo in the patient (though parental testing was not performed to confirm), which supports its significance. PP4 (Pathogenic Supporting): The patient’s clinical presentation is consistent with Xia-Gibbs syndrome. Although parental segregation analysis was not performed, the clinical and molecular data are consistent with the diagnosis of Xia-Gibbs syndrome.